The following is an entry in ClinVar:

NM_001042492.3(NF1):c.4027A>C (p.Thr1343Pro)

Gene: NF1 (neurofibromin 1; plus strand). Cytogenetic location: 17q11.2.
Variant type: single nucleotide variant.
Coding change: c.4027A>C on transcript NM_001042492.3 (MANE Select); coding-DNA position 4027, A replaced by C.
Protein change: p.Thr1343Pro; replaces threonine 1343 with proline.
Molecular consequence: missense variant.
Genome position (GRCh38, 1-based): chr17:31,249,036, A>C. VCF-style: chr17-31249036-A-C. GRCh37 (hg19) VCF-style: chr17-29576054-A-C.
Other names: c.4027A>C, p.Thr1343Pro (NM_000267.4); short protein forms T1343P.
Identifiers: ClinVar variation 1345222 (VCV001345222.8), dbSNP rs2151451431, ClinGen allele CA398994919.
Genomic context (GRCh38, chr17:31,249,036, plus strand): 5'-TTTTGTAGGTTAGAACCATCAGAGAGCCTTGAGGAAAACCAGCGGAACCTCCTTCAGATG[A>C]CTGAAAAGTTCTTCCATGCCATCATCAGTTCCTCCTCAGAATTCCCCCCTCAACTTCGAA-3'
Protein context (NP_001035957.1, residues 1333-1353): EENQRNLLQM[Thr1343Pro]EKFFHAIISS

ClinVar aggregate classification (germline): Conflicting classifications of pathogenicity. Review status: criteria provided, conflicting classifications (1 of 4 stars). 3 submissions from 3 submitters: Likely pathogenic (2); Uncertain significance (1). Last evaluated 2025-03-20.

Conditions:
Neurofibromatosis, type 1 (NF1). Also called: Peripheral type neurofibromatosis; NEUROFIBROMATOSIS, TYPE I, SOMATIC; Neurofibromatosis, type I; VON RECKLINGHAUSEN DISEASE. Identifiers: Orphanet 636, MedGen C0027831, MONDO:0018975, OMIM 162200. Disease mechanism: loss of function.
NF1-related disorder. Also called: NF1-related condition. Identifiers: MedGen CN379171.
Hereditary cancer-predisposing syndrome. Also called: Neoplastic Syndromes, Hereditary; Tumor predisposition; Hereditary neoplastic syndrome; Hereditary Cancer Syndrome. Identifiers: Orphanet 140162, MedGen C0027672, MeSH D009386, MONDO:0015356.
Cardiovascular phenotype. Identifiers: MedGen CN230736.

Submissions (3):

Ambry Genetics
Classification: Uncertain significance for Cardiovascular phenotype; Hereditary cancer-predisposing syndrome. Last evaluated: 2025-03-20. Review status: criteria provided, single submitter. Criteria: Ambry Variant Classification Scheme 2023. Collection method: clinical testing. Allele origin: germline.
Comment: The p.T1343P variant (also known as c.4027A>C), located in coding exon 30 of the NF1 gene, results from an A to C substitution at nucleotide position 4027. The threonine at codon 1343 is replaced by proline, an amino acid with highly similar properties. This alteration was identified in a cohort of French patients with a clinical diagnosis of neurofibromatosis type 1 (Pasmant E et al. Eur J Hum Genet, 2015 May;23:596-601). This amino acid position is highly conserved in available vertebrate species. In addition, this alteration is predicted to be deleterious by in silico analysis. Based on the available evidence, the clinical significance of this variant remains unclear.

Blueprint Genetics
Classification: Likely pathogenic for NF1-related disorders. Last evaluated: 2022-02-15. Review status: criteria provided, single submitter. Criteria: ACMG Guidelines, 2015. Collection method: clinical testing. Allele origin: germline. Affected: yes. Observed: 2 variant alleles.

Labcorp Genetics (formerly Invitae), Labcorp
Classification: Likely pathogenic for Neurofibromatosis, type 1. Last evaluated: 2021-10-25. Review status: criteria provided, single submitter. Criteria: Invitae Variant Classification Sherloc (09022015). Collection method: clinical testing. Allele origin: germline.
Comment: In summary, the currently available evidence indicates that the variant is pathogenic, but additional data are needed to prove that conclusively. Therefore, this variant has been classified as Likely Pathogenic. Advanced modeling of protein sequence and biophysical properties (such as structural, functional, and spatial information, amino acid conservation, physicochemical variation, residue mobility, and thermodynamic stability) performed at Invitae indicates that this missense variant is expected to disrupt NF1 protein function. This missense change has been observed in individual(s) with neurofibromatosis type 1 (PMID: 25074460). This variant is not present in population databases (ExAC no frequency). This sequence change replaces threonine with proline at codon 1343 of the NF1 protein (p.Thr1343Pro). The threonine residue is moderately conserved and there is a small physicochemical difference between threonine and proline.

Literature cited by the submitters: PubMed 25074460 (cited by Ambry Genetics and Labcorp Genetics (formerly Invitae), Labcorp).